The following is an entry in ClinVar:

NM_001277115.2(DNAH11):c.13239_13240insT (p.Thr4414fs)

Gene: DNAH11 (dynein axonemal heavy chain 11; plus strand). Cytogenetic location: 7p15.3.
Variant type: Insertion.
Coding change: c.13239_13240insT on transcript NM_001277115.2 (MANE Select); coding-DNA positions 13239 to 13240, T inserted.
Protein change: p.Thr4414fs; shifts the reading frame from threonine 4414.
Molecular consequence: frameshift variant.
Genome position: GRCh38 VCF-style: chr7-21900056-A-AT. GRCh37 (hg19) VCF-style: chr7-21939674-A-AT.
Other names: c.13260_13261insT, p.Thr4421Tyrfs (NM_003777.3); short protein forms T4414fs.
Identifiers: ClinVar variation 2756110 (VCV002756110.3), dbSNP rs2534154521, ClinGen allele CA2681993397.
Genomic context (GRCh38, chr7:21,900,056, plus strand): 5'-GGCTCGAAAAAATGAGTGGCCCCTGGATAAAACGCGCTTGACTGCTGATGTTACCAAAAA[A>AT]ACAAAGGAAGATTATGGACACCCGCCAAGGGAAGGTGCATACCTCCACGGACTCTTCATG-3'

ClinVar aggregate classification (germline): Pathogenic (1 of 4 stars; one submission).

Conditions:
Primary ciliary dyskinesia. Also called: Ciliary dyskinesia. Identifiers: Orphanet 244, MedGen C0008780, MONDO:0016575, HP:0012265.

Allele frequency attached by ClinVar (database versions not stated): gnomAD exomes below 0.00001.

Submission:

Labcorp Genetics (formerly Invitae), Labcorp
Classification: Pathogenic for Primary ciliary dyskinesia. Last evaluated: 2023-08-29. Review status: criteria provided, single submitter. Criteria: Invitae Variant Classification Sherloc (09022015). Collection method: clinical testing. Allele origin: germline.
Comment: For these reasons, this variant has been classified as Pathogenic. This variant disrupts a region of the DNAH11 protein in which other variant(s) (p.Trp4505Serfs*10) have been determined to be pathogenic (Invitae). This suggests that this is a clinically significant region of the protein, and that variants that disrupt it are likely to be disease-causing. This variant has not been reported in the literature in individuals affected with DNAH11-related conditions. This variant is not present in population databases (gnomAD no frequency). This sequence change creates a premature translational stop signal (p.Thr4414Tyrfs*34) in the DNAH11 gene. While this is not anticipated to result in nonsense mediated decay, it is expected to disrupt the last 103 amino acid(s) of the DNAH11 protein.